The following is an entry in ClinVar:

NM_000384.3(APOB):c.8766T>G (p.Thr2922=)

Gene: APOB (apolipoprotein B; minus strand). Cytogenetic location: 2p24.1.
Variant type: single nucleotide variant.
Coding change: c.8766T>G on transcript NM_000384.3 (MANE Select); coding-DNA position 8766, T replaced by G.
Protein change: p.Thr2922=; no amino-acid change (threonine 2922 retained).
Molecular consequence: synonymous variant.
Genome position (GRCh38, 1-based): chr2:21,008,102, A>C on the plus strand (T>G on the coding strand, the complement: APOB is on the minus strand). VCF-style: chr2-21008102-A-C. GRCh37 (hg19) VCF-style: chr2-21230974-A-C.
Identifiers: ClinVar variation 544089 (VCV000544089.14), dbSNP rs763285729, ClinGen allele CA065999.
Genomic context (GRCh38, chr2:21,008,102, plus strand): 5'-ATGTGTTCCCTCATCTGAGAATCTGGGGCAGGCCCATTTCCATGACCCTTTTCCAGAAGA[A>C]GTCCATGCTATGTGGCCAGCTTTCAACAGTGTCTTGATCTCGTTGCGCAGGTCAGCCTGA-3'
Protein context (NP_000375.3, residues 2912-2932): TLLKAGHIAW[Thr2922=]SSGKGSWKWA

ClinVar aggregate classification (germline): Likely benign. Review status: criteria provided, multiple submitters, no conflicts (2 of 4 stars). 3 submissions from 3 submitters: Likely benign (3). Last evaluated 2025-09-23.

Conditions:
Cardiovascular phenotype. Identifiers: MedGen CN230736.
Familial hypobetalipoproteinemia 1. Also called: Hypobetalipoproteinemia, normotriglyceridemic; Acanthocytosis with hypobetalipoproteinemia; APOB-Related Familial Hypobetalipoproteinemia. Identifiers: MedGen C4551990, MONDO:0014252, OMIM 615558.
Hypercholesterolemia, autosomal dominant, type B (FHCL2). Also called: Familial hypercholesterolemia 2; APOB-Related Familial Hypercholesterolemia, Autosomal Dominant; HYPERCHOLESTEROLEMIA, FAMILIAL, DUE TO LIGAND-DEFECTIVE APOLIPOPROTEIN B; Hyperlipoproteinemia Type IIb; Familial Hypercholesterolemia Type B; APOLIPOPROTEIN B-100, FAMILIAL DEFECTIVE. Identifiers: MedGen C1704417, MONDO:0007751, OMIM 144010.
Familial hypercholesterolemia. Also called: Familial hypercholesterolemias; Familial hypercholesterolaemia. Identifiers: MedGen C0020445, MONDO:0005439.

Allele frequency attached by ClinVar (database versions not stated): gnomAD 0.00001; TOPMed 0.00002.
gnomAD v4.1: 10 of 1,613,954 alleles (0.00062%); highest among the groups gnomAD compares: Admixed American, 0.017%; no homozygotes.

Submissions (3):

Labcorp Genetics (formerly Invitae), Labcorp
Classification: Likely benign for Familial hypobetalipoproteinemia 1; Hypercholesterolemia, autosomal dominant, type B. Last evaluated: 2025-09-23. Review status: criteria provided, single submitter. Criteria: Invitae Variant Classification Sherloc (09022015). Collection method: clinical testing. Allele origin: germline.

GENinCode PLC
Classification: Likely benign for Familial hypercholesterolemia. Last evaluated: 2023-12-05. Review status: criteria provided, single submitter. Criteria: ACMG Guidelines, 2015. Collection method: clinical testing. Allele origin: germline.
Comment: This is a synonymous (silent) variant that is not predicted by SpliceAI to impact splicing. In addition, it occurs at a nucleotide that is not conserved. Therefore this variant has been classified as Likely Benign (BP4, BP7).

Ambry Genetics
Classification: Likely benign for Cardiovascular phenotype. Last evaluated: 2021-07-22. Review status: criteria provided, single submitter. Criteria: Ambry Variant Classification Scheme 2023. Collection method: clinical testing. Allele origin: germline.